The following is an entry in ClinVar:

NM_201596.3(CACNB2):c.1767C>A (p.Asn589Lys)

Gene: CACNB2 (calcium voltage-gated channel auxiliary subunit beta 2; plus strand). Cytogenetic location: 10p12.31.
Variant type: single nucleotide variant.
Coding change: c.1767C>A on transcript NM_201596.3 (MANE Select); coding-DNA position 1767, C replaced by A.
Protein change: p.Asn589Lys; replaces asparagine 589 with lysine.
Molecular consequence: missense variant.
Genome position (GRCh38, 1-based): chr10:18,539,508, C>A. VCF-style: chr10-18539508-C-A. GRCh37 (hg19) VCF-style: chr10-18828437-C-A.
Other names: c.1602C>A, p.Asn534Lys (NM_000724.4); c.1569C>A, p.Asn523Lys (NM_001167945.2); c.1488C>A, p.Asn496Lys (NM_001330060.2); c.1509C>A, p.Asn503Lys (NM_001410882.1); c.1623C>A, p.Asn541Lys (NM_201570.3); c.1683C>A, p.Asn561Lys (NM_201571.4); c.1611C>A, p.Asn537Lys (NM_201572.4); c.1605C>A, p.Asn535Lys (NM_201590.3); and 2 more; short protein forms N496K, N523K, N537K, N589K, N503K, N535K, N561K, N534K.
Identifiers: ClinVar variation 3484147 (VCV003484147.1).

ClinVar aggregate classification (germline): Uncertain significance (1 of 4 stars; one submission).

Conditions:
Cardiovascular phenotype. Identifiers: MedGen CN230736.

gnomAD v4.1: 5 of 1,614,020 alleles (0.00031%); highest among the groups gnomAD compares: Non-Finnish European, 0.00042%; no homozygotes.

Submission:

Ambry Genetics
Classification: Uncertain significance for Cardiovascular phenotype. Last evaluated: 2024-10-08. Review status: criteria provided, single submitter. Criteria: Ambry Variant Classification Scheme 2023. Collection method: clinical testing. Allele origin: germline.
Comment: The p.N535K variant (also known as c.1605C>A), located in coding exon 13 of the CACNB2 gene, results from a C to A substitution at nucleotide position 1605. The asparagine at codon 535 is replaced by lysine, an amino acid with similar properties. This amino acid position is conserved. In addition, this alteration is predicted to be tolerated by in silico analysis. Based on the available evidence, the clinical significance of this variant remains unclear.